The following is an entry in ClinVar:

ClinVar aggregate classification (germline): Uncertain significance (1 of 4 stars; one submission).

Submission:

GeneDx
Classification: Uncertain significance. Last evaluated: 2019-07-03. Review status: criteria provided, single submitter. Criteria: GeneDx Variant Classification Process June 2021. Collection method: clinical testing. Allele origin: germline. Affected: yes.
Comment: Not observed in large population cohorts (Lek et al., 2016); In silico analysis, which includes protein predictors and evolutionary conservation, supports that this variant does not alter protein structure/function; Has not been previously published as pathogenic or benign to our knowledge

NM_004840.3(ARHGEF6):c.1363C>G (p.Gln455Glu)

Gene: ARHGEF6 (Rac/Cdc42 guanine nucleotide exchange factor 6; minus strand). Cytogenetic location: Xq26.3.
Variant type: single nucleotide variant.
Coding change: c.1363C>G on transcript NM_004840.3 (MANE Select); coding-DNA position 1363, C replaced by G.
Protein change: p.Gln455Glu; replaces glutamine 455 with glutamic acid.
Molecular consequence: missense variant.
Genome position (GRCh38, 1-based): chrX:136,685,706, G>C on the plus strand (C>G on the coding strand, the complement: ARHGEF6 is on the minus strand). VCF-style: chrX-136685706-G-C. GRCh37 (hg19) VCF-style: chrX-135767865-G-C.
Other names: c.901C>G, p.Gln301Glu (NM_001306177.2); short protein forms Q301E, Q455E.
Identifiers: ClinVar variation 1306415 (VCV001306415.2), dbSNP rs2148585867, ClinGen allele CA414761256.
Genomic context (GRCh38, chrX:136,685,706, plus strand): 5'-AGAAATAATGTTGAGATTTGAAATACCTTACCTCACATGCTCCATACTGCACCATTACTT[G>C]TGACATAAAAATCACATTTCCCAAGTTTTTAATATCTTCTCCTTCCCATGCCTGAATAGG-3'
Protein context (NP_004831.1, residues 445-465): KNLGNVIFMS[Gln455Glu]VMVQYGACEE